The following is an entry in ClinVar:

ClinVar aggregate classification (germline): Likely benign (0 of 4 stars; one submission).

Conditions:
CENPF-related disorder. Also called: CENPF-related condition.

Allele frequency attached by ClinVar (database versions not stated): gnomAD exomes below 0.00001.
gnomAD v4.1: 1 of 1,614,136 alleles (0.000062%); highest among the groups gnomAD compares: Non-Finnish European, 0.000085%; no homozygotes.

Submission:

PreventionGenetics, part of Exact Sciences
Classification: Likely benign for CENPF-related condition. Last evaluated: 2024-01-11. Review status: no assertion criteria provided. Collection method: clinical testing. Allele origin: germline.
Comment: This variant is classified as likely benign based on ACMG/AMP sequence variant interpretation guidelines (Richards et al. 2015 PMID: 25741868, with internal and published modifications).

NM_016343.4(CENPF):c.6222C>T (p.Ser2074=)

Gene: CENPF (centromere protein F; plus strand). Cytogenetic location: 1q41.
Variant type: single nucleotide variant.
Coding change: c.6222C>T on transcript NM_016343.4 (MANE Select); coding-DNA position 6222, C replaced by T.
Protein change: p.Ser2074=; no amino-acid change (serine 2074 retained).
Molecular consequence: synonymous variant.
Genome position (GRCh38, 1-based): chr1:214,645,792, C>T. VCF-style: chr1-214645792-C-T. GRCh37 (hg19) VCF-style: chr1-214819135-C-T.
Identifiers: ClinVar variation 3053198 (VCV003053198.2), dbSNP rs2528416900, ClinGen allele CA423428578.